The following is an entry in ClinVar:

NM_002860.4(ALDH18A1):c.2067C>G (p.His689Gln)

Gene: ALDH18A1 (aldehyde dehydrogenase 18 family member A1; minus strand). Cytogenetic location: 10q24.1.
Variant type: single nucleotide variant.
Coding change: c.2067C>G on transcript NM_002860.4 (MANE Select); coding-DNA position 2067, C replaced by G.
Protein change: p.His689Gln; replaces histidine 689 with glutamine.
Molecular consequence: missense variant.
Genome position (GRCh38, 1-based): chr10:95,611,299, G>C on the plus strand (C>G on the coding strand, the complement: ALDH18A1 is on the minus strand). VCF-style: chr10-95611299-G-C. GRCh37 (hg19) VCF-style: chr10-97371056-G-C.
Other names: c.2061C>G, p.His687Gln (NM_001017423.2, NM_001323415.2); c.1734C>G, p.His578Gln (NM_001323412.2, NM_001323416.2); c.2067C>G, p.His689Gln (NM_001323413.2, NM_001323414.2); c.1962C>G, p.His654Gln (NM_001323417.2); c.1728C>G, p.His576Gln (NM_001323418.2); c.1431C>G, p.His477Gln (NM_001323419.2); short protein forms H687Q, H689Q, H477Q, H576Q, H578Q, H654Q.
Identifiers: ClinVar variation 2925779 (VCV002925779.3), dbSNP rs1399082693, ClinGen allele CA377699876.

ClinVar aggregate classification (germline): Uncertain significance (1 of 4 stars; one submission).

Conditions:
Autosomal dominant spastic paraplegia type 9. Identifiers: MedGen C1832669, MONDO:0015091.
de Barsy syndrome. Also called: Cutis laxa-corneal clouding-oligophrenia syndrome. Identifiers: Orphanet 2962, MedGen C0268354, MONDO:0017569.
Cutis laxa, autosomal dominant 3 (ADCL3). Identifiers: Orphanet 90348, MedGen C4225268, MONDO:0014706, OMIM 616603.

Allele frequency attached by ClinVar (database versions not stated): gnomAD exomes below 0.00001.
gnomAD v4.1: 2 of 1,614,200 alleles (0.00012%); highest among the groups gnomAD compares: Non-Finnish European, 0.00017%; no homozygotes.

Submission:

Labcorp Genetics (formerly Invitae), Labcorp
Classification: Uncertain significance for Autosomal dominant spastic paraplegia type 9; de Barsy syndrome; Cutis laxa, autosomal dominant 3. Last evaluated: 2025-09-21. Review status: criteria provided, single submitter. Criteria: Invitae Variant Classification Sherloc (09022015). Collection method: clinical testing. Allele origin: germline.
Comment: This sequence change replaces histidine, which is basic and polar, with glutamine, which is neutral and polar, at codon 689 of the ALDH18A1 protein (p.His689Gln). This variant is not present in population databases (gnomAD no frequency). This variant has not been reported in the literature in individuals affected with ALDH18A1-related conditions. ClinVar contains an entry for this variant (Variation ID: 2925779). Invitae Evidence Modeling of protein sequence and biophysical properties (such as structural, functional, and spatial information, amino acid conservation, physicochemical variation, residue mobility, and thermodynamic stability) has been performed for this missense variant. However, the output from this modeling did not meet the statistical confidence thresholds required to predict the impact of this variant on ALDH18A1 protein function. In summary, the available evidence is currently insufficient to determine the role of this variant in disease. Therefore, it has been classified as a Variant of Uncertain Significance.